The following is an entry in ClinVar:

NM_004006.3(DMD):c.28del (p.Cys10fs)

Gene: DMD (dystrophin; minus strand). Cytogenetic location: Xp21.1.
Variant type: Deletion.
Coding change: c.28del on transcript NM_004006.3 (MANE Select); coding-DNA position 28, one base deleted (T; older notation c.28delT).
Protein change: p.Cys10fs; shifts the reading frame from cysteine 10.
Molecular consequence: frameshift variant. On other transcripts: intron variant (1).
Genome position (GRCh38, 1-based): chrX:33,211,285, A deleted on the plus strand (T on the coding strand, the reverse complement: DMD is on the minus strand). VCF-style (leftmost placement, unchanged base first): chrX-33211284-CA-C. GRCh37 (hg19) VCF-style: chrX-33229401-CA-C.
Other names: c.28delT (NM_004006.2); c.7+127974del (NM_000109.4); short protein forms C10fs.
Identifiers: ClinVar variation 94543 (VCV000094543.6), dbSNP rs398123913, ClinGen allele CA266964.

ClinVar aggregate classification (germline): Pathogenic. Review status: criteria provided, multiple submitters, no conflicts (2 of 4 stars). 2 submissions from 2 submitters: Pathogenic (2). Last evaluated 2025-07-20.

Conditions:
Duchenne muscular dystrophy (DMD). Also called: Duchenne Muscular Dystrophy (DMD); MUSCULAR DYSTROPHY, PSEUDOHYPERTROPHIC PROGRESSIVE, DUCHENNE TYPE. Identifiers: Orphanet 98896, MedGen C0013264, MONDO:0010679, OMIM 310200.

Submissions (2):

Labcorp Genetics (formerly Invitae), Labcorp
Classification: Pathogenic for Duchenne muscular dystrophy. Last evaluated: 2025-07-20. Review status: criteria provided, single submitter. Criteria: Invitae Variant Classification Sherloc (09022015). Collection method: clinical testing. Allele origin: germline.
Comment: This sequence change creates a premature translational stop signal (p.Cys10Valfs*16) in the DMD gene. It is expected to result in an absent or disrupted protein product. Loss-of-function variants in DMD are known to be pathogenic (PMID: 16770791, 25007885). This variant is not present in population databases (gnomAD no frequency). This variant has not been reported in the literature in individuals affected with DMD-related conditions. ClinVar contains an entry for this variant (Variation ID: 94543). For these reasons, this variant has been classified as Pathogenic.

Eurofins Ntd Llc (ga)
Classification: Pathogenic. Last evaluated: 2012-08-28. Review status: criteria provided, single submitter. Criteria: EGL Classification Definitions 2015. Collection method: clinical testing. Allele origin: germline. Observed: 2 variant alleles, 1 heterozygote, 1 hemizygote.

Literature cited by the submitters: PubMed 16770791 (cited by Labcorp Genetics (formerly Invitae), Labcorp); PubMed 25007885 (cited by Labcorp Genetics (formerly Invitae), Labcorp).